The following is an entry in ClinVar:

ClinVar aggregate classification (germline): Likely benign (1 of 4 stars; one submission).

gnomAD v4.1: 2 of 1,613,738 alleles (0.00012%); highest among the groups gnomAD compares: Admixed American, 0.0033%; no homozygotes.

Submission:

Molecular Diagnostic Laboratory for Inherited Cardiovascular Disease, Montreal Heart Institute
Classification: Likely benign. Last evaluated: 2026-09-21. Review status: criteria provided, single submitter. Criteria: ACMG Guidelines, 2015. Collection method: clinical testing. Allele origin: germline. Affected: no.
Comment: BP7

NM_001267550.2(TTN):c.14811T>C (p.Cys4937=)

Gene: TTN (titin; minus strand). Cytogenetic location: 2q31.2.
Variant type: single nucleotide variant.
Coding change: c.14811T>C on transcript NM_001267550.2 (MANE Select); coding-DNA position 14811, T replaced by C.
Protein change: p.Cys4937=; no amino-acid change (cysteine 4937 retained).
Molecular consequence: synonymous variant. On other transcripts: intron variant (3).
Genome position (GRCh38, 1-based): chr2:178,735,635, A>G on the plus strand (T>C on the coding strand, the complement: TTN is on the minus strand). VCF-style: chr2-178735635-A-G. GRCh37 (hg19) VCF-style: chr2-179600362-A-G.
Other names: c.13860T>C, p.Cys4620= (NM_001256850.1); c.11079T>C, p.Cys3693= (NM_133378.4); c.13282+2447T>C (NM_003319.4); c.13858+2447T>C (NM_133437.4); c.13657+2447T>C (NM_133432.3).
Identifiers: ClinVar variation 5037834 (VCV005037834.1).